The following is an entry in ClinVar:

NM_012445.4(SPON2):c.811+7_811+8del

Gene: SPON2 (spondin 2; minus strand). Cytogenetic location: 4p16.3.
Variant type: Deletion.
Coding change: c.811+7_811+8del on transcript NM_012445.4 (MANE Select); bases 7 to 8 of the intron after coding-DNA position 811, 2 bases deleted (GA; older notation c.811+7_811+8delGA).
Molecular consequence: intron variant.
Genome position (GRCh38, 1-based): chr4:1,170,394-1,170,395, TC deleted on the plus strand (GA on the coding strand, the reverse complement: SPON2 is on the minus strand). VCF-style (leftmost placement, unchanged base first): chr4-1170393-GTC-G. GRCh37 (hg19) VCF-style: chr4-1164181-GTC-G.
Other names: c.811+7_811+8del (NM_001199021.2, NM_001128325.3).
Identifiers: ClinVar variation 2654543 (VCV002654543.24), dbSNP rs576618553, ClinGen allele CA2803767.

ClinVar aggregate classification (germline): Likely benign (1 of 4 stars; one submission).

Allele frequency attached by ClinVar (database versions not stated): ExAC 0.00009; gnomAD 0.00017; gnomAD exomes 0.00025; 1000 Genomes Project 0.00080; 1000 Genomes Project 30x 0.00094.

Submission:

CeGaT Center for Human Genetics Tuebingen
Classification: Likely benign. Last evaluated: 2023-11-01. Review status: criteria provided, single submitter. Criteria: CeGaT Center For Human Genetics Tuebingen Variant Classification Criteria Version 2. Collection method: clinical testing. Allele origin: germline. Affected: yes. Observed: 2 variant alleles.
Comment: SPON2: BP4